The following is an entry in ClinVar:

ClinVar aggregate classification (germline): Uncertain significance (1 of 4 stars; one submission).

Submission:

Labcorp Genetics (formerly Invitae), Labcorp
Classification: Uncertain significance. Last evaluated: 2022-09-29. Review status: criteria provided, single submitter. Criteria: Invitae Variant Classification Sherloc (09022015). Collection method: clinical testing. Allele origin: germline.
Comment: This variant is not present in population databases (gnomAD no frequency). This sequence change creates a premature translational stop signal (p.Cys841*) in the SULF1 gene. It is expected to result in an absent or disrupted protein product. However, the current clinical and genetic evidence is not sufficient to establish whether loss-of-function variants in SULF1 cause disease. In summary, the available evidence is currently insufficient to determine the role of this variant in disease. Therefore, it has been classified as a Variant of Uncertain Significance. This variant has not been reported in the literature in individuals affected with SULF1-related conditions.

NM_001128205.2(SULF1):c.2523C>A (p.Cys841Ter)

Gene: SULF1 (sulfatase 1; plus strand). Cytogenetic location: 8q13.3.
Variant type: single nucleotide variant.
Coding change: c.2523C>A on transcript NM_001128205.2 (MANE Select); coding-DNA position 2523, C replaced by A.
Protein change: p.Cys841Ter; replaces cysteine 841 with a stop codon.
Molecular consequence: nonsense. On other transcripts: non-coding transcript variant (3).
Genome position (GRCh38, 1-based): chr8:69,638,830, C>A. VCF-style: chr8-69638830-C-A. GRCh37 (hg19) VCF-style: chr8-70551065-C-A.
Other names: c.2523C>A, p.Cys841Ter (NM_001128204.2, NM_001128206.2, NM_001412828.1 and 7 more transcripts); c.2394C>A, p.Cys798Ter (NM_001412832.1, NM_001412838.1, NM_001412839.1 and 1 more transcripts); c.2466C>A, p.Cys822Ter (NM_001412836.1, NM_001412837.1); c.2337C>A, p.Cys779Ter (NM_001412841.1, NM_001412842.1); c.*7C>A (NM_001412843.1, NM_001412850.1, NM_001412851.1); c.1923C>A, p.Cys641Ter (NM_001412844.1, NM_001412845.1); c.732C>A, p.Cys244Ter (NM_001412846.1); short protein forms C244*, C641*, C779*, C841*, C822*, C798*.
Identifiers: ClinVar variation 2033382 (VCV002033382.4), dbSNP rs2537438787, ClinGen allele CA371228419.